The following is an entry in ClinVar:

ClinVar aggregate classification (germline): Benign. Review status: reviewed by expert panel (3 of 4 stars). 19 submissions from 19 submitters: Benign (1). 18 of the submissions do not count toward it. Last evaluated 2015-08-10.

Conditions:
Breast and/or ovarian cancer. Identifiers: MedGen CN221562.
Hereditary cancer-predisposing syndrome. Also called: Tumor predisposition; Neoplastic Syndromes, Hereditary; Hereditary neoplastic syndrome; Hereditary Cancer Syndrome. Identifiers: Orphanet 140162, MedGen C0027672, MeSH D009386, MONDO:0015356.
Hereditary breast ovarian cancer syndrome. Also called: Hereditary breast and ovarian cancer; Hereditary breast and ovarian cancer syndrome (HBOC); Hereditary breast and/or ovarian cancer syndrome; Breast and ovarian cancer; Hereditary breast and ovarian cancer syndrome; BRCA1- and BRCA2-Associated Hereditary Breast and Ovarian Cancer. Identifiers: Orphanet 145, MedGen C0677776, MeSH D061325, MONDO:0003582. Disease mechanism: loss of function.
Breast-ovarian cancer, familial, susceptibility to, 2 (BROVCA2). Also called: BRCA2 Hereditary Breast and Ovarian Cancer. Identifiers: Orphanet 145, MedGen C2675520, MONDO:0012933, OMIM 612555. Disease mechanism: loss of function.

Allele frequency attached by ClinVar (database versions not stated): TOPMed 0.00006; gnomAD 0.00008; gnomAD exomes 0.00011; ExAC 0.00018; 1000 Genomes Project 0.00020; 1000 Genomes Project 30x 0.00031.
gnomAD v4.1: 175 of 1,613,990 alleles (0.011%); highest among the groups gnomAD compares: Admixed American, 0.013%; no homozygotes.

Submissions (19):

Evidence-based Network for the Interpretation of Germline Mutant Alleles (ENIGMA)
Classification: Benign for Breast-ovarian cancer, familial 2. Last evaluated: 2015-08-10. Review status: reviewed by expert panel. Criteria: ENIGMA BRCA1/2 Classification Criteria (2015). Collection method: curation. Allele origin: germline.
Comment: IARC class based on posterior probability from multifactorial likelihood analysis, thresholds for class as per Plon et al. 2008 (PMID: 18951446). Class 1 based on posterior probability = 0.0000203

Labcorp Genetics (formerly Invitae), Labcorp
Classification: Benign for Hereditary breast ovarian cancer syndrome. Last evaluated: 2026-01-17. Review status: criteria provided, single submitter. Criteria: Invitae Variant Classification Sherloc (09022015). Collection method: clinical testing. Allele origin: germline. Not counted in ClinVar's aggregate classification.

Center for Genomic Medicine, Rigshospitalet, Copenhagen University Hospital
Classification: Benign. Last evaluated: 2025-03-04. Review status: criteria provided, single submitter. Criteria: ACMG Guidelines, 2015. Collection method: clinical testing. Allele origin: germline. Not counted in ClinVar's aggregate classification.

CHEO Genetics Diagnostic Laboratory, Children's Hospital of Eastern Ontario
Classification: Likely benign for Breast and/or ovarian cancer. Last evaluated: 2021-08-25. Review status: criteria provided, single submitter. Criteria: ACMG Guidelines, 2015. Collection method: clinical testing. Allele origin: germline. Study: Canadian Open Genetics Repository. Not counted in ClinVar's aggregate classification.

Women's Health and Genetics/Laboratory Corporation of America, LabCorp
Classification: Benign. Last evaluated: 2021-04-05. Review status: criteria provided, single submitter. Criteria: LabCorp Variant Classification Summary - May 2015. Collection method: clinical testing. Allele origin: germline. Not counted in ClinVar's aggregate classification.
Comment: Variant summary: BRCA2 c.6748A>G (p.Thr2250Ala) results in a non-conservative amino acid change in the encoded protein sequence. Four of five in-silico tools predict a benign effect of the variant on protein function. The variant allele was found at a frequency of 0.00011 in 251358 control chromosomes. This frequency is not significantly higher than expected for a pathogenic variant in BRCA2 causing Hereditary Breast And Ovarian Cancer Syndrome (0.00011 vs 0.00075), allowing no conclusion about variant significance. c.6748A>G has been reported in the literature (example, Arver_2001, Blay_2013, Borg_2010). These reports do not provide unequivocal conclusions about association of the variant with Hereditary Breast and Ovarian Cancer. Multifactorial probability models predict a neutral/benign outcome (example, Lindor_2012, Easton_2007). Multiple co-occurrences with other pathogenic variant(s) have been reported in the BIC and UMD databases as well as at our laboratory (example, BRCA1 c.2035A>T, p.Lys679*; BRCA2 c.771_775delTCAAA, p.Asn257LysfsX17; BRCA2 c.262_263delCT, p.Leu88AlafsX12; BRCA2 c.5351dup, p.Asn1784LysfsX3), providing supporting evidence for a benign role. To our knowledge, no experimental evidence demonstrating an impact on protein function has been reported. Multiple clinical diagnostic laboratories and an expert panel (ENIGMA) have submitted clinical-significance assessments for this variant to ClinVar after 2014 without evidence for independent evaluation. All submitters classified the variant as benign (including the expert panel)/likely benign. Based on the evidence outlined above, the variant was classified as benign.

Sema4
Classification: Benign for Hereditary cancer-predisposing syndrome. Last evaluated: 2020-10-06. Review status: criteria provided, single submitter. Criteria: Sema4 Curation Guidelines. Collection method: curation. Allele origin: germline. Not counted in ClinVar's aggregate classification.

GeneDx
Classification: Likely benign. Last evaluated: 2019-05-28. Review status: criteria provided, single submitter. Criteria: GeneDx Variant Classification Process June 2021. Collection method: clinical testing. Allele origin: germline. Affected: yes. Not counted in ClinVar's aggregate classification.
Comment: This variant is associated with the following publications: (PMID: 17924331, 24323938, 21990134, 16683254, 20104584, 23683081, 11336395)

Genetic Services Laboratory, University of Chicago
Classification: Likely benign. Last evaluated: 2016-12-29. Review status: criteria provided, single submitter. Criteria: ACMG Guidelines, 2015. Collection method: clinical testing. Allele origin: germline. Affected: no. Not counted in ClinVar's aggregate classification.

Color Diagnostics, LLC DBA Color Health
Classification: Benign for Hereditary cancer-predisposing syndrome. Last evaluated: 2016-06-30. Review status: criteria provided, single submitter. Criteria: ACMG Guidelines, 2015. Collection method: clinical testing. Allele origin: germline. Not counted in ClinVar's aggregate classification.

Department of Pathology and Laboratory Medicine, Sinai Health System
Classification: Benign. Last evaluated: 2016-01-15. Review status: criteria provided, single submitter. Criteria: ACMG Guidelines, 2015. Collection method: clinical testing. Allele origin: germline. Affected: yes. Study: The Canadian Open Genetics Repository (COGR). Not counted in ClinVar's aggregate classification.

Clinical Genetics DNA and cytogenetics Diagnostics Lab, Erasmus MC, Erasmus Medical Center
Classification: Benign for Breast-ovarian cancer, familial, susceptibility to, 2. Last evaluated: 2015-09-21. Review status: criteria provided, single submitter. Criteria: ACGS Guidelines, 2013. Collection method: clinical testing. Allele origin: germline. Affected: yes. Study: VKGL Data-share Consensus. Not counted in ClinVar's aggregate classification.

Ambry Genetics
Classification: Benign for Hereditary cancer-predisposing syndrome. Last evaluated: 2014-11-19. Review status: criteria provided, single submitter. Criteria: Ambry Variant Classification Scheme 2023. Collection method: clinical testing. Allele origin: germline. Not counted in ClinVar's aggregate classification.

BRCAlab, Lund University
Classification: Benign for Breast-ovarian cancer, familial, susceptibility to, 2. Last evaluated: 2020-03-02. Review status: no assertion criteria provided. Collection method: clinical testing. Allele origin: germline. Affected: yes. Not counted in ClinVar's aggregate classification.

True Health Diagnostics
Classification: Likely benign for Hereditary cancer-predisposing syndrome. Last evaluated: 2017-08-17. Review status: no assertion criteria provided. Collection method: clinical testing. Allele origin: germline. Not counted in ClinVar's aggregate classification.

Sharing Clinical Reports Project (SCRP)
Classification: Benign for Breast-ovarian cancer, familial 2. Last evaluated: 2009-10-13. Review status: no assertion criteria provided. Collection method: clinical testing. Allele origin: germline. Not counted in ClinVar's aggregate classification.

Breast Cancer Information Core (BIC) (BRCA2)
Classification: Uncertain significance for Breast-ovarian cancer, familial 2. Last evaluated: 2004-02-20. Review status: no assertion criteria provided. Collection method: clinical testing. Allele origin: germline. Affected: yes. Observed: 9 variant alleles. Not counted in ClinVar's aggregate classification.

Clinical Genetics Laboratory, Department of Pathology, Netherlands Cancer Institute
Classification: Benign. Review status: no assertion criteria provided. Collection method: clinical testing. Allele origin: germline. Affected: yes. Study: VKGL Data-share Consensus. Not counted in ClinVar's aggregate classification.

Diagnostic Laboratory, Department of Genetics, University Medical Center Groningen
Classification: Benign for Breast-ovarian cancer, familial, susceptibility to, 2. Review status: no assertion criteria provided. Collection method: clinical testing. Allele origin: germline. Affected: yes. Study: VKGL Data-share Consensus. Not counted in ClinVar's aggregate classification.

Joint Genome Diagnostic Labs from Nijmegen and Maastricht, Radboudumc and MUMC+
Classification: Benign. Review status: no assertion criteria provided. Collection method: clinical testing. Allele origin: germline. Affected: yes. Study: VKGL Data-share Consensus. Not counted in ClinVar's aggregate classification.

Literature cited by the submitters: PubMed 21990134 (cited by Evidence-based Network for the Interpretation of Germline Mutant Alleles (ENIGMA) and Women's Health and Genetics/Laboratory Corporation of America, LabCorp); PubMed 20104584 (cited by Women's Health and Genetics/Laboratory Corporation of America, LabCorp); PubMed 17924331 (cited by Women's Health and Genetics/Laboratory Corporation of America, LabCorp); PubMed 23683081 (cited by Women's Health and Genetics/Laboratory Corporation of America, LabCorp); PubMed 21520273 (cited by Women's Health and Genetics/Laboratory Corporation of America, LabCorp); PubMed 24323938 (cited by Women's Health and Genetics/Laboratory Corporation of America, LabCorp); PubMed 16683254 (cited by Women's Health and Genetics/Laboratory Corporation of America, LabCorp); PubMed 11336395 (cited by Women's Health and Genetics/Laboratory Corporation of America, LabCorp); PubMed 25348012 (cited by Women's Health and Genetics/Laboratory Corporation of America, LabCorp).

NM_000059.4(BRCA2):c.6748A>G (p.Thr2250Ala)

Gene: BRCA2 (BRCA2 DNA repair associated; plus strand). Cytogenetic location: 13q13.1.
Variant type: single nucleotide variant.
Coding change: c.6748A>G on transcript NM_000059.4 (MANE Select); coding-DNA position 6748, A replaced by G.
Protein change: p.Thr2250Ala; replaces threonine 2250 with alanine.
Molecular consequence: missense variant.
Genome position (GRCh38, 1-based): chr13:32,341,103, A>G. VCF-style: chr13-32341103-A-G. GRCh37 (hg19) VCF-style: chr13-32915240-A-G.
Other names: p.T2250A:ACA>GCA; 6976A>G; short protein forms T2250A.
Identifiers: ClinVar variation 38064 (VCV000038064.37), dbSNP rs80358899, ClinGen allele CA024373.